The following is an entry in ClinVar:

NM_001203.3(BMPR1B):c.419T>G (p.Val140Gly)

Gene: BMPR1B (bone morphogenetic protein receptor type 1B; plus strand). Cytogenetic location: 4q22.3.
Variant type: single nucleotide variant.
Coding change: c.419T>G on transcript NM_001203.3 (MANE Select); coding-DNA position 419, T replaced by G.
Protein change: p.Val140Gly; replaces valine 140 with glycine.
Molecular consequence: missense variant.
Genome position (GRCh38, 1-based): chr4:95,123,879, T>G. VCF-style: chr4-95123879-T-G. GRCh37 (hg19) VCF-style: chr4-96045030-T-G.
Other names: c.419T>G, p.Val140Gly (NM_001256792.2, NM_001256794.1); c.509T>G, p.Val170Gly (NM_001256793.2); short protein forms V140G, V170G.
Identifiers: ClinVar variation 2134544 (VCV002134544.4), dbSNP rs2530207093, ClinGen allele CA357679853.

ClinVar aggregate classification (germline): Uncertain significance (1 of 4 stars; one submission).

Conditions:
Type A2 brachydactyly (BDA2). Also called: BRACHYMESOPHALANGY II; MOHR-WRIEDT TYPE BRACHYDACTYLY; Brachymesophalangy type 2. Identifiers: Orphanet 93396, MedGen C1832702, MONDO:0007216, OMIM 112600, HP:0009372.
Acromesomelic dysplasia 3 (AMD3). Also called: CHONDRODYSPLASIA, ACROMESOMELIC, WITH OR WITHOUT GENITAL ANOMALIES; Acromesomelic dysplasia, Demirhan type. Identifiers: MedGen C4225404, MONDO:0012274, OMIM 609441.

Submission:

Labcorp Genetics (formerly Invitae), Labcorp
Classification: Uncertain significance for Type A2 brachydactyly; Acromesomelic dysplasia 3. Last evaluated: 2023-07-06. Review status: criteria provided, single submitter. Criteria: Invitae Variant Classification Sherloc (09022015). Collection method: clinical testing. Allele origin: germline.
Comment: This sequence change replaces valine, which is neutral and non-polar, with glycine, which is neutral and non-polar, at codon 140 of the BMPR1B protein (p.Val140Gly). This variant is not present in population databases (gnomAD no frequency). This variant has not been reported in the literature in individuals affected with BMPR1B-related conditions. ClinVar contains an entry for this variant (Variation ID: 2134544). Advanced modeling of protein sequence and biophysical properties (such as structural, functional, and spatial information, amino acid conservation, physicochemical variation, residue mobility, and thermodynamic stability) performed at Invitae indicates that this missense variant is not expected to disrupt BMPR1B protein function. In summary, the available evidence is currently insufficient to determine the role of this variant in disease. Therefore, it has been classified as a Variant of Uncertain Significance.